The following is an entry in ClinVar:

ClinVar aggregate classification (germline): Uncertain significance. Review status: criteria provided, multiple submitters, no conflicts (2 of 4 stars). 2 submissions from 2 submitters: Uncertain significance (2). Last evaluated 2025-09-10.

Conditions:
Neurodevelopmental disorder with hypotonia, seizures, and absent language (NDHSAL). Identifiers: MedGen C4310643, MONDO:0014995, OMIM 617268.

Submissions (2):

Genomic Medicine Center of Excellence, King Faisal Specialist Hospital and Research Centre
Classification: Uncertain significance for Neurodevelopmental disorder with hypotonia, seizures, and absent language. Last evaluated: 2025-09-10. Review status: criteria provided, single submitter. Criteria: ACMG Guidelines, 2015. Collection method: clinical testing. Allele origin: germline.

Baylor Genetics
Classification: Uncertain significance for Neurodevelopmental disorder with hypotonia, seizures, and absent language. Last evaluated: 2020-06-04. Review status: criteria provided, single submitter. Criteria: ACMG Guidelines, 2015. Collection method: clinical testing. Allele origin: unknown. Affected: yes.
Comment: This variant was determined to be of uncertain significance according to ACMG Guidelines, 2015 [PMID:25741868].

NM_001348768.2(HECW2):c.1967T>C (p.Val656Ala)

Gene: HECW2 (HECT, C2 and WW domain containing E3 ubiquitin protein ligase 2; minus strand). Cytogenetic location: 2q32.3.
Variant type: single nucleotide variant.
Coding change: c.1967T>C on transcript NM_001348768.2 (MANE Select); coding-DNA position 1967, T replaced by C.
Protein change: p.Val656Ala; replaces valine 656 with alanine.
Molecular consequence: missense variant.
Genome position (GRCh38, 1-based): chr2:196,318,923, A>G on the plus strand (T>C on the coding strand, the complement: HECW2 is on the minus strand). VCF-style: chr2-196318923-A-G. GRCh37 (hg19) VCF-style: chr2-197183647-A-G.
Other names: c.899T>C, p.Val300Ala (NM_001304840.3); c.1967T>C, p.Val656Ala (NM_020760.4); short protein forms V656A, V300A.
Identifiers: ClinVar variation 1028185 (VCV001028185.2), dbSNP rs1691819546, ClinGen allele CA349964891.